The following is an entry in ClinVar:

ClinVar aggregate classification (germline): Uncertain significance (1 of 4 stars; one submission).

Conditions:
Facioscapulohumeral muscular dystrophy 2 (FSHD2). Also called: MUSCULAR DYSTROPHY, FACIOSCAPULOHUMERAL, TYPE 1B; FACIOSCAPULOHUMERAL MUSCULAR DYSTROPHY 2, DIGENIC; FSHD2, DIGENIC. Identifiers: Orphanet 269, MedGen C1834671, MONDO:0008031, OMIM 158901.

Allele frequency attached by ClinVar (database versions not stated): TOPMed below 0.00001; ExAC 0.00001; gnomAD exomes 0.00001.
gnomAD v4.1: 3 of 1,611,164 alleles (0.00019%); highest among the groups gnomAD compares: Admixed American, 0.005%; no homozygotes.

Submission:

Labcorp Genetics (formerly Invitae), Labcorp
Classification: Uncertain significance for Facioscapulohumeral muscular dystrophy 2. Last evaluated: 2024-03-05. Review status: criteria provided, single submitter. Criteria: Invitae Variant Classification Sherloc (09022015). Collection method: clinical testing. Allele origin: germline.
Comment: This sequence change replaces glycine, which is neutral and non-polar, with valine, which is neutral and non-polar, at codon 217 of the SMCHD1 protein (p.Gly217Val). This variant is present in population databases (rs754937252, gnomAD 0.006%). This variant has not been reported in the literature in individuals affected with SMCHD1-related conditions. ClinVar contains an entry for this variant (Variation ID: 1494183). Advanced modeling of protein sequence and biophysical properties (such as structural, functional, and spatial information, amino acid conservation, physicochemical variation, residue mobility, and thermodynamic stability) performed at Invitae indicates that this missense variant is not expected to disrupt SMCHD1 protein function with a negative predictive value of 80%. In summary, the available evidence is currently insufficient to determine the role of this variant in disease. Therefore, it has been classified as a Variant of Uncertain Significance.

NM_015295.3(SMCHD1):c.650G>T (p.Gly217Val)

Gene: SMCHD1 (structural maintenance of chromosomes flexible hinge domain containing 1; plus strand). Cytogenetic location: 18p11.32.
Variant type: single nucleotide variant.
Coding change: c.650G>T on transcript NM_015295.3 (MANE Select); coding-DNA position 650, G replaced by T.
Protein change: p.Gly217Val; replaces glycine 217 with valine.
Molecular consequence: missense variant.
Genome position (GRCh38, 1-based): chr18:2,688,405, G>T. VCF-style: chr18-2688405-G-T. GRCh37 (hg19) VCF-style: chr18-2688403-G-T.
Other names: short protein forms G217V.
Identifiers: ClinVar variation 1494183 (VCV001494183.8), dbSNP rs754937252, ClinGen allele CA8870604.